The following is an entry in ClinVar:

ClinVar aggregate classification (germline): Uncertain significance. Review status: criteria provided, multiple submitters, no conflicts (2 of 4 stars). 2 submissions from 2 submitters: Uncertain significance (2). Last evaluated 2023-10-06.

Conditions:
Developmental and epileptic encephalopathy, 42 (DEE42A). Also called: DEVELOPMENTAL AND EPILEPTIC ENCEPHALOPATHY 42A; EPILEPTIC ENCEPHALOPATHY, EARLY INFANTILE, 42A; Epileptic encephalopathy, early infantile, 42. Identifiers: MedGen C4310716, MONDO:0014917, OMIM 617106.
Episodic ataxia type 2 (EA2). Also called: ACETAZOLAMIDE-RESPONSIVE HEREDITARY PAROXYSMAL CEREBELLAR ATAXIA; ATAXIA, EPISODIC, WITH NYSTAGMUS; ATAXIA, FAMILIAL PAROXYSMAL; CEREBELLAR ATAXIA, PAROXYSMAL, ACETAZOLAMIDE-RESPONSIVE; CEREBELLOPATHY, HEREDITARY PAROXYSMAL; EPISODIC ATAXIA, NYSTAGMUS-ASSOCIATED. Identifiers: Orphanet 97, MedGen C1720416, MONDO:0007163, OMIM 108500.
Inborn genetic diseases. Identifiers: MedGen C0950123, MeSH D030342.

Allele frequency attached by ClinVar (database versions not stated): gnomAD 0.00001; TOPMed 0.00001.
gnomAD v4.1: 2 of 1,613,694 alleles (0.00012%); highest among the groups gnomAD compares: African/African-American, 0.0013%; no homozygotes.

Submissions (2):

Labcorp Genetics (formerly Invitae), Labcorp
Classification: Uncertain significance for Developmental and epileptic encephalopathy, 42; Episodic ataxia type 2. Last evaluated: 2023-10-06. Review status: criteria provided, single submitter. Criteria: Invitae Variant Classification Sherloc (09022015). Collection method: clinical testing. Allele origin: germline.
Comment: This sequence change replaces tyrosine, which is neutral and polar, with histidine, which is basic and polar, at codon 2082 of the CACNA1A protein (p.Tyr2082His). This variant is not present in population databases (gnomAD no frequency). This variant has not been reported in the literature in individuals affected with CACNA1A-related conditions. ClinVar contains an entry for this variant (Variation ID: 590008). Advanced modeling of protein sequence and biophysical properties (such as structural, functional, and spatial information, amino acid conservation, physicochemical variation, residue mobility, and thermodynamic stability) performed at Invitae indicates that this missense variant is not expected to disrupt CACNA1A protein function. In summary, the available evidence is currently insufficient to determine the role of this variant in disease. Therefore, it has been classified as a Variant of Uncertain Significance.

Ambry Genetics
Classification: Uncertain significance for Inborn genetic diseases. Last evaluated: 2017-01-12. Review status: criteria provided, single submitter. Criteria: Ambry Variant Classification Scheme 2023. Collection method: clinical testing. Allele origin: germline.
Comment: The p.Y2082H variant (also known as c.6244T>C), located in coding exon 43 of the CACNA1A gene, results from a T to C substitution at nucleotide position 6244. The tyrosine at codon 2082 is replaced by histidine, an amino acid with similar properties. This amino acid position is well conserved in available vertebrate species. In addition, this alteration is predicted to be tolerated by in silico analysis. Since supporting evidence is limited at this time, the clinical significance of this alteration remains unclear.

NM_001127222.2(CACNA1A):c.6241T>C (p.Tyr2081His)

Gene: CACNA1A (calcium voltage-gated channel subunit alpha1 A; minus strand). Cytogenetic location: 19p13.13.
Variant type: single nucleotide variant.
Coding change: c.6241T>C on transcript NM_001127222.2 (MANE Select); coding-DNA position 6241, T replaced by C.
Protein change: p.Tyr2081His; replaces tyrosine 2081 with histidine.
Molecular consequence: missense variant.
Genome position (GRCh38, 1-based): chr19:13,212,165, A>G on the plus strand (T>C on the coding strand, the complement: CACNA1A is on the minus strand). VCF-style: chr19-13212165-A-G. GRCh37 (hg19) VCF-style: chr19-13322979-A-G.
Other names: c.6259T>C, p.Tyr2087His (NM_000068.4, NM_023035.3); c.6244T>C, p.Tyr2082His (NM_001127221.2); c.6250T>C, p.Tyr2084His (NM_001174080.2); short protein forms Y2082H, Y2081H, Y2084H, Y2087H.
Identifiers: ClinVar variation 590008 (VCV000590008.8), dbSNP rs1174830824, ClinGen allele CA404332332.